The following is an entry in ClinVar:

NM_000204.5(CFI):c.1487C>G (p.Ser496Cys)

Gene: CFI (complement factor I; minus strand). Cytogenetic location: 4q25.
Variant type: single nucleotide variant.
Coding change: c.1487C>G on transcript NM_000204.5 (MANE Select); coding-DNA position 1487, C replaced by G.
Protein change: p.Ser496Cys; replaces serine 496 with cysteine.
Molecular consequence: missense variant. On other transcripts: non-coding transcript variant (3).
Genome position (GRCh38, 1-based): chr4:109,742,538, G>C on the plus strand (C>G on the coding strand, the complement: CFI is on the minus strand). VCF-style: chr4-109742538-G-C. GRCh37 (hg19) VCF-style: chr4-110663694-G-C.
Other names: c.1511C>G, p.Ser504Cys (NM_001318057.2, NM_001375278.1); c.1466C>G, p.Ser489Cys (NM_001331035.2, NM_001375280.1, NM_001375282.1); c.1487C>G, p.Ser496Cys (NM_001375279.1, NM_001375281.1); c.1430C>G, p.Ser477Cys (NM_001375283.1); c.878C>G, p.Ser293Cys (NM_001375284.1); short protein forms S293C, S496C, S504C, S477C, S489C.
Identifiers: ClinVar variation 2793939 (VCV002793939.3), dbSNP rs750850949, ClinGen allele CA3041885.

ClinVar aggregate classification (germline): Uncertain significance (1 of 4 stars; one submission).

Allele frequency attached by ClinVar (database versions not stated): ExAC 0.00001.
gnomAD v4.1: 1 of 1,613,802 alleles (0.000062%); highest among the groups gnomAD compares: Admixed American, 0.0017%; no homozygotes.

Submission:

Labcorp Genetics (formerly Invitae), Labcorp
Classification: Uncertain significance. Last evaluated: 2025-02-19. Review status: criteria provided, single submitter. Criteria: Invitae Variant Classification Sherloc (09022015). Collection method: clinical testing. Allele origin: germline.
Comment: This sequence change replaces serine, which is neutral and polar, with cysteine, which is neutral and slightly polar, at codon 496 of the CFI protein (p.Ser496Cys). This variant is present in population databases (rs750850949, gnomAD 0.006%). This variant has not been reported in the literature in individuals affected with CFI-related conditions. ClinVar contains an entry for this variant (Variation ID: 2793939). Invitae Evidence Modeling of protein sequence and biophysical properties (such as structural, functional, and spatial information, amino acid conservation, physicochemical variation, residue mobility, and thermodynamic stability) indicates that this missense variant is expected to disrupt CFI protein function with a positive predictive value of 80%. In summary, the available evidence is currently insufficient to determine the role of this variant in disease. Therefore, it has been classified as a Variant of Uncertain Significance.